The following is an entry in ClinVar:

ClinVar aggregate classification (germline): Uncertain significance (1 of 4 stars; one submission).

Conditions:
Early Myoclonic Encephalopathy. Identifiers: MedGen C0270855.

Allele frequency attached by ClinVar (database versions not stated): gnomAD exomes 0.00001; gnomAD 0.00001; TOPMed 0.00002.
gnomAD v4.1: 14 of 1,604,952 alleles (0.00087%); highest among the groups gnomAD compares: Admixed American, 0.0017%; no homozygotes.

Submission:

Labcorp Genetics (formerly Invitae), Labcorp
Classification: Uncertain significance for Early Myoclonic Encephalopathy. Last evaluated: 2025-07-20. Review status: criteria provided, single submitter. Criteria: Invitae Variant Classification Sherloc (09022015). Collection method: clinical testing. Allele origin: germline.
Comment: This sequence change replaces glutamic acid, which is acidic and polar, with glycine, which is neutral and non-polar, at codon 2026 of the JMJD1C protein (p.Glu2026Gly). This variant is present in population databases (no rsID available, gnomAD 0.007%). This variant has not been reported in the literature in individuals affected with JMJD1C-related conditions. ClinVar contains an entry for this variant (Variation ID: 950565). An algorithm developed to predict the effect of missense changes on protein structure and function (PolyPhen-2) suggests that this variant is likely to be disruptive. In summary, the available evidence is currently insufficient to determine the role of this variant in disease. Therefore, it has been classified as a Variant of Uncertain Significance.

NM_032776.3(JMJD1C):c.6077A>G (p.Glu2026Gly)

Gene: JMJD1C (jumonji domain containing 1C; minus strand). Cytogenetic location: 10q21.3.
Variant type: single nucleotide variant.
Coding change: c.6077A>G on transcript NM_032776.3 (MANE Select); coding-DNA position 6077, A replaced by G.
Protein change: p.Glu2026Gly; replaces glutamic acid 2026 with glycine.
Molecular consequence: missense variant. On other transcripts: non-coding transcript variant (1).
Genome position (GRCh38, 1-based): chr10:63,191,108, T>C on the plus strand (A>G on the coding strand, the complement: JMJD1C is on the minus strand). VCF-style: chr10-63191108-T-C. GRCh37 (hg19) VCF-style: chr10-64950868-T-C.
Other names: c.5531A>G, p.Glu1844Gly (NM_001282948.2, NM_001318154.2); c.5213A>G, p.Glu1738Gly (NM_001318153.2); c.5963A>G, p.Glu1988Gly (NM_001322252.2); c.5420A>G, p.Glu1807Gly (NM_001322254.2, NM_001322258.2); short protein forms E1807G, E1988G, E1738G, E2026G, E1844G.
Identifiers: ClinVar variation 950565 (VCV000950565.9), dbSNP rs1420221889, ClinGen allele CA377025289.